The following is an entry in ClinVar:

NM_005260.7(GDF9):c.1353C>T (p.Cys451=)

Gene: GDF9 (growth differentiation factor 9; minus strand). Cytogenetic location: 5q31.1.
Variant type: single nucleotide variant.
Coding change: c.1353C>T on transcript NM_005260.7 (MANE Select); coding-DNA position 1353, C replaced by T.
Protein change: p.Cys451=; no amino-acid change (cysteine 451 retained).
Molecular consequence: synonymous variant.
Genome position (GRCh38, 1-based): chr5:132,861,601, G>A on the plus strand (C>T on the coding strand, the complement: GDF9 is on the minus strand). VCF-style: chr5-132861601-G-A. GRCh37 (hg19) VCF-style: chr5-132197293-G-A.
Other names: c.1089C>T, p.Cys363= (NM_001288824.4, NM_001288825.4, NM_001288826.3 and 2 more transcripts).
Identifiers: ClinVar variation 2663626 (VCV002663626.6), dbSNP rs549040205, ClinGen allele CA3408120.

ClinVar aggregate classification (germline): Likely benign. Review status: criteria provided, multiple submitters, no conflicts (2 of 4 stars). 2 submissions from 2 submitters: Likely benign (2). Last evaluated 2025-12-01.

Allele frequency attached by ClinVar (database versions not stated): TOPMed 0.00005; gnomAD 0.00038; gnomAD exomes 0.00056; ExAC 0.00144; 1000 Genomes Project 30x 0.00219; 1000 Genomes Project 0.00280.
gnomAD v4.1: 872 of 1,613,464 alleles (0.054%); highest among the groups gnomAD compares: South Asian, 0.92%; 8 homozygotes.

Submissions (2):

CeGaT Center for Human Genetics Tuebingen
Classification: Likely benign. Last evaluated: 2025-12-01. Review status: criteria provided, single submitter. Criteria: CeGaT Center For Human Genetics Tuebingen Variant Classification Criteria Version 2. Collection method: clinical testing. Allele origin: germline. Affected: yes. Observed: 1 variant allele.
Comment: GDF9: BP4, BP7

GeneDx
Classification: Likely benign. Last evaluated: 2023-11-08. Review status: criteria provided, single submitter. Criteria: GeneDx Variant Classification Process June 2021. Collection method: clinical testing. Allele origin: germline. Affected: yes.